The following is an entry in ClinVar:

ClinVar aggregate classification (germline): Uncertain significance (1 of 4 stars; one submission).

Submissions (3):

CeGaT Center for Human Genetics Tuebingen
Classification: Uncertain significance. Last evaluated: 2026-04-01. Review status: criteria provided, single submitter. Criteria: CeGaT Center For Human Genetics Tuebingen Variant Classification Criteria Version 2. Collection method: clinical testing. Allele origin: germline. Affected: yes. Observed: 1 variant allele.
Comment: HUWE1: PM2

Dr. Peter K. Rogan Lab, Western University
No classification provided (evidence only). Condition: Thyroid cancer, nonmedullary, 1. Review status: no classification provided. Collection method: in vitro. Allele origin: not applicable. Functional consequence: retained intron. Not counted in ClinVar's aggregate classification.

Dr. Peter K. Rogan Lab, Western University
No classification provided (evidence only). Condition: Thyroid cancer, nonmedullary, 1. Review status: no classification provided. Collection method: in vitro. Allele origin: not applicable. Functional consequence: retained intron. Not counted in ClinVar's aggregate classification.

NM_031407.7(HUWE1):c.4082G>T (p.Gly1361Val)

Gene: HUWE1 (HECT, UBA and WWE domain containing E3 ubiquitin protein ligase 1; minus strand). Cytogenetic location: Xp11.22.
Variant type: single nucleotide variant.
Coding change: c.4082G>T on transcript NM_031407.7 (MANE Select); coding-DNA position 4082, G replaced by T.
Protein change: p.Gly1361Val; replaces glycine 1361 with valine.
Molecular consequence: missense variant.
Genome position (GRCh38, 1-based): chrX:53,591,013, C>A on the plus strand (G>T on the coding strand, the complement: HUWE1 is on the minus strand). VCF-style: chrX-53591013-C-A. GRCh37 (hg19) VCF-style: chrX-53617973-C-A.
Other names: NC_000023.10:g.53617973C>A; c.4082G>T, p.Gly1361Val (NM_001441048.1, NM_001441049.1, NM_001441051.1 and 6 more transcripts); c.4103G>T, p.Gly1368Val (NM_001441050.1, NM_001441055.1); short protein forms G1361V, G1368V.
Identifiers: ClinVar variation 4493406 (VCV004493406.3).